The following is an entry in ClinVar:

ClinVar aggregate classification (germline): Uncertain significance (1 of 4 stars; one submission).

Submission:

Mayo Clinic Laboratories, Mayo Clinic
Classification: Uncertain significance. Last evaluated: 2024-11-26. Review status: criteria provided, single submitter. Criteria: ACMG Guidelines, 2015. Collection method: clinical testing. Allele origin: germline. Observed: 1 variant allele.
Comment: PP3, PM1_supporting, PM2_supporting

NM_000128.4(F11):c.1449G>T (p.Leu483Phe)

Gene: F11 (coagulation factor XI; plus strand). Cytogenetic location: 4q35.2.
Variant type: single nucleotide variant.
Coding change: c.1449G>T on transcript NM_000128.4 (MANE Select); coding-DNA position 1449, G replaced by T.
Protein change: p.Leu483Phe; replaces leucine 483 with phenylalanine.
Molecular consequence: missense variant.
Genome position (GRCh38, 1-based): chr4:186,285,782, G>T. VCF-style: chr4-186285782-G-T. GRCh37 (hg19) VCF-style: chr4-187206936-G-T.
Other names: p.Leu483Phe; c.1401G>T, p.Leu467Phe (NM_001440590.1, NM_001440596.1); c.1449G>T, p.Leu483Phe (NM_001440593.1); c.1179G>T, p.Leu393Phe (NM_001440605.1, NM_001440607.1); c.1131G>T, p.Leu377Phe (NM_001440606.1, NM_001440608.1); short protein forms L467F, L483F, L393F, L377F.
Identifiers: ClinVar variation 4541023 (VCV004541023.1).